The following is an entry in ClinVar:

ClinVar aggregate classification (germline): Uncertain significance (1 of 4 stars; one submission).

Conditions:
Mucopolysaccharidosis, MPS-III-C (MPS3C). Also called: SANFILIPPO SYNDROME C; MPS III C; mucopolysaccharidosis type 3C; MUCOPOLYSACCHARIDOSIS, TYPE IIIC; MPS IIIC (Sanfilippo Syndrome Type C); Mucopolysaccharidosis type IIIC (Sanfilippo C). Identifiers: Orphanet 581, Orphanet 79271, MedGen C0086649, MONDO:0009657, OMIM 252930.
Retinitis pigmentosa 73 (RP73). Identifiers: Orphanet 791, MedGen C4225287, MONDO:0014687, OMIM 616544.

Submission:

Labcorp Genetics (formerly Invitae), Labcorp
Classification: Uncertain significance for Retinitis pigmentosa 73; Mucopolysaccharidosis, MPS-III-C. Last evaluated: 2024-02-17. Review status: criteria provided, single submitter. Criteria: Invitae Variant Classification Sherloc (09022015). Collection method: clinical testing. Allele origin: germline.
Comment: This sequence change replaces aspartic acid, which is acidic and polar, with histidine, which is basic and polar, at codon 601 of the HGSNAT protein (p.Asp601His). This variant is not present in population databases (gnomAD no frequency). This variant has not been reported in the literature in individuals affected with HGSNAT-related conditions. ClinVar contains an entry for this variant (Variation ID: 2123883). Advanced modeling of protein sequence and biophysical properties (such as structural, functional, and spatial information, amino acid conservation, physicochemical variation, residue mobility, and thermodynamic stability) has been performed at Invitae for this missense variant, however the output from this modeling did not meet the statistical confidence thresholds required to predict the impact of this variant on HGSNAT protein function. In summary, the available evidence is currently insufficient to determine the role of this variant in disease. Therefore, it has been classified as a Variant of Uncertain Significance.

NM_152419.3(HGSNAT):c.1801G>C (p.Asp601His)

Gene: HGSNAT (heparan-alpha-glucosaminide N-acetyltransferase; plus strand). Cytogenetic location: 8p11.21.
Variant type: single nucleotide variant.
Coding change: c.1801G>C on transcript NM_152419.3 (MANE Select); coding-DNA position 1801, G replaced by C.
Protein change: p.Asp601His; replaces aspartic acid 601 with histidine.
Molecular consequence: missense variant.
Genome position (GRCh38, 1-based): chr8:43,199,462, G>C. VCF-style: chr8-43199462-G-C. GRCh37 (hg19) VCF-style: chr8-43054605-G-C.
Other names: c.1888G>C, p.Asp630His (NM_001363227.2); c.1609G>C, p.Asp537His (NM_001363228.2); c.937G>C, p.Asp313His (NM_001363229.2); short protein forms D630H, D313H, D537H, D601H.
Identifiers: ClinVar variation 2123883 (VCV002123883.4), dbSNP rs2487126035, ClinGen allele CA371121381.